The following is an entry in ClinVar:

ClinVar aggregate classification (germline): Uncertain significance (1 of 4 stars; one submission).

Submission:

Labcorp Genetics (formerly Invitae), Labcorp
Classification: Uncertain significance. Last evaluated: 2022-08-31. Review status: criteria provided, single submitter. Criteria: Invitae Variant Classification Sherloc (09022015). Collection method: clinical testing. Allele origin: germline.
Comment: This sequence change replaces proline, which is neutral and non-polar, with serine, which is neutral and polar, at codon 159 of the ADIPOR1 protein (p.Pro159Ser). This variant is not present in population databases (gnomAD no frequency). This variant has not been reported in the literature in individuals affected with ADIPOR1-related conditions. ClinVar contains an entry for this variant (Variation ID: 1479033). Algorithms developed to predict the effect of missense changes on protein structure and function (SIFT, PolyPhen-2, Align-GVGD) all suggest that this variant is likely to be tolerated. In summary, the available evidence is currently insufficient to determine the role of this variant in disease. Therefore, it has been classified as a Variant of Uncertain Significance.

NM_015999.6(ADIPOR1):c.475C>T (p.Pro159Ser)

Gene: ADIPOR1 (adiponectin receptor 1; minus strand). Cytogenetic location: 1q32.1.
Variant type: single nucleotide variant.
Coding change: c.475C>T on transcript NM_015999.6 (MANE Select); coding-DNA position 475, C replaced by T.
Protein change: p.Pro159Ser; replaces proline 159 with serine.
Molecular consequence: missense variant.
Genome position (GRCh38, 1-based): chr1:202,945,125, G>A on the plus strand (C>T on the coding strand, the complement: ADIPOR1 is on the minus strand). VCF-style: chr1-202945125-G-A. GRCh37 (hg19) VCF-style: chr1-202914253-G-A.
Other names: c.475C>T, p.Pro159Ser (NM_001290553.2, NM_001290557.1, NM_001290629.1); short protein forms P159S.
Identifiers: ClinVar variation 1479033 (VCV001479033.6), dbSNP rs2102484013, ClinGen allele CA344281770.